The following is an entry in ClinVar:

ClinVar aggregate classification (germline): Uncertain significance (1 of 4 stars; one submission).

Submission:

GeneDx
Classification: Uncertain significance. Last evaluated: 2023-01-12. Review status: criteria provided, single submitter. Criteria: GeneDx Variant Classification Process June 2021. Collection method: clinical testing. Allele origin: germline. Affected: yes.
Comment: Not observed at significant frequency in large population cohorts (gnomAD); In silico analysis supports that this missense variant does not alter protein structure/function; Has not been previously published as pathogenic or benign to our knowledge

NM_006939.4(SOS2):c.1477G>A (p.Val493Ile)

Gene: SOS2 (SOS Ras/Rho guanine nucleotide exchange factor 2; minus strand). Cytogenetic location: 14q21.3.
Variant type: single nucleotide variant.
Coding change: c.1477G>A on transcript NM_006939.4 (MANE Select); coding-DNA position 1477, G replaced by A.
Protein change: p.Val493Ile; replaces valine 493 with isoleucine.
Molecular consequence: missense variant.
Genome position (GRCh38, 1-based): chr14:50,159,806, C>T on the plus strand (G>A on the coding strand, the complement: SOS2 is on the minus strand). VCF-style: chr14-50159806-C-T. GRCh37 (hg19) VCF-style: chr14-50626524-C-T.
Other names: c.1378G>A, p.Val460Ile (NM_001411020.1); short protein forms V460I, V493I.
Identifiers: ClinVar variation 2572825 (VCV002572825.1), dbSNP rs2502990216, ClinGen allele CA389645689.